The following is an entry in ClinVar:

ClinVar aggregate classification (germline): Likely pathogenic (1 of 4 stars; one submission).

Conditions:
Intellectual developmental disorder, X-linked, syndromic, Houge type. Also called: MENTAL RETARDATION, X-LINKED, SYNDROMIC, HOUGE TYPE; Intellectual disability, X-linked, syndromic, Houge type. Identifiers: MedGen C4538788, MONDO:0030909, OMIM 301008.

Submission:

New York Genome Center
Classification: Likely pathogenic for Intellectual developmental disorder, X-linked, syndromic, Houge type. Last evaluated: 2019-12-20. Review status: criteria provided, single submitter. Criteria: NYGC Assertion Criteria 2020. Collection method: clinical testing. Allele origin: germline. Inheritance: X-linked inheritance. Observed: 1 hemizygote. Study: CSER-NYCKidSeq.
Comment: The hemizygous c.1615C>T (p.Gln539Ter) variant identified in the CNKSR2 gene leads to the premature termination of the protein at amino acid 539/1035 (coding exon 14/22). This variant is absent from gnomAD and ExAC, suggesting it is not a common benign variant in the populations represented in these databases. It is absent from ClinVar and to our current knowledge has not been reported in affected individuals in the literature, although many nonsense, frameshift, and canonical splice variants have been reported as Pathogenic suggesting loss of function is the mechanism of disease for CNKSR2. Given its deleterious nature and absence in population databases, the c.1615C>T (p.Gln539Ter) variant identified in this individual is reported here as Likely Pathogenic.

NM_014927.5(CNKSR2):c.1615C>T (p.Gln539Ter)

Gene: CNKSR2 (connector enhancer of kinase suppressor of Ras 2; plus strand). Cytogenetic location: Xp22.12.
Variant type: single nucleotide variant.
Coding change: c.1615C>T on transcript NM_014927.5 (MANE Select); coding-DNA position 1615, C replaced by T.
Protein change: p.Gln539Ter; replaces glutamine 539 with a stop codon.
Molecular consequence: nonsense.
Genome position (GRCh38, 1-based): chrX:21,590,578, C>T. VCF-style: chrX-21590578-C-T. GRCh37 (hg19) VCF-style: chrX-21608696-C-T.
Other names: c.1525C>T, p.Gln509Ter (NM_001168647.3, NM_001330773.2); c.1615C>T, p.Gln539Ter (NM_001168648.3); c.1468C>T, p.Gln490Ter (NM_001168649.3, NM_001330770.2); c.1378C>T, p.Gln460Ter (NM_001330771.2, NM_001330772.2); short protein forms Q460*, Q490*, Q509*, Q539*.
Identifiers: ClinVar variation 996895 (VCV000996895.1), dbSNP rs2092414327, ClinGen allele CA412554094.